The following is an entry in ClinVar:

NM_000038.6(APC):c.3706_3723dup (p.Ala1236_Gly1241dup)

Gene: APC (APC regulator of Wnt signaling pathway; plus strand). Cytogenetic location: 5q22.2.
Variant type: Duplication.
Coding change: c.3706_3723dup on transcript NM_000038.6 (MANE Select); coding-DNA positions 3706 to 3723, 18 bases duplicated (GCACAGAGTAGAAGTGGT).
Protein change: p.Ala1236_Gly1241dup.
Molecular consequence: inframe insertion.
Genome position (GRCh38, 1-based): chr5:112,839,300-112,839,317, GCACAGAGTAGAAGTGGT duplicated; duplicating any 18 consecutive bases within chr5:112,839,299-112,839,317 gives the same sequence; the c. name uses the placement nearest the transcript's 3' end. VCF-style (leftmost placement, unchanged base first): chr5-112839298-C-CTGCACAGAGTAGAAGTGG. GRCh37 (hg19) VCF-style: chr5-112174995-C-CTGCACAGAGTAGAAGTGG.
Other names: c.3706_3723dup, p.Ala1236_Gly1241dup (NM_001127510.3, NM_001354895.2); c.3652_3669dup, p.Ala1218_Gly1223dup (NM_001127511.3); c.3760_3777dup, p.Ala1254_Gly1259dup (NM_001354896.2); c.3736_3753dup, p.Ala1246_Gly1251dup (NM_001354897.2); c.3631_3648dup, p.Ala1211_Gly1216dup (NM_001354898.2); c.3622_3639dup, p.Ala1208_Gly1213dup (NM_001354899.2); c.3583_3600dup, p.Ala1195_Gly1200dup (NM_001354900.2); c.3529_3546dup, p.Ala1177_Gly1182dup (NM_001354901.2); and 5 more.
Identifiers: ClinVar variation 839658 (VCV000839658.50), dbSNP rs1765497749, ClinGen allele CA916080353.

ClinVar aggregate classification (germline): Uncertain significance. Review status: criteria provided, multiple submitters, no conflicts (2 of 4 stars). 2 submissions from 2 submitters: Uncertain significance (2). Last evaluated 2026-01-02.

Conditions:
Familial adenomatous polyposis 1 (FAP1). Also called: FAMILIAL ADENOMATOUS POLYPOSIS 1, ATTENUATED; POLYPOSIS, ADENOMATOUS INTESTINAL. Identifiers: MedGen C2713442, MONDO:0021056, OMIM 175100. Disease mechanism: loss of function.
Hereditary cancer-predisposing syndrome. Also called: Neoplastic Syndromes, Hereditary; Tumor predisposition; Hereditary neoplastic syndrome; Hereditary Cancer Syndrome. Identifiers: Orphanet 140162, MedGen C0027672, MeSH D009386, MONDO:0015356.

Submissions (2):

Labcorp Genetics (formerly Invitae), Labcorp
Classification: Uncertain significance for Familial adenomatous polyposis 1. Last evaluated: 2026-01-02. Review status: criteria provided, single submitter. Criteria: Invitae Variant Classification Sherloc (09022015). Collection method: clinical testing. Allele origin: germline.
Comment: This variant, c.3706_3723dup, results in the insertion of 6 amino acid(s) of the APC protein (p.Ala1236_Gly1241dup), but otherwise preserves the integrity of the reading frame. This variant is not present in population databases (gnomAD no frequency). This variant has not been reported in the literature in individuals affected with APC-related conditions. ClinVar contains an entry for this variant (Variation ID: 839658). In summary, the available evidence is currently insufficient to determine the role of this variant in disease. Therefore, it has been classified as a Variant of Uncertain Significance.

Color Diagnostics, LLC DBA Color Health
Classification: Uncertain significance for Hereditary cancer-predisposing syndrome. Last evaluated: 2025-03-31. Review status: criteria provided, single submitter. Criteria: ACMG Guidelines, 2015. Collection method: clinical testing. Allele origin: germline.
Comment: This variant results in the in-frame duplication of 6 amino acids (p.Ala1236_Gly1241dup) in the APC protein. To our knowledge, functional studies have not been reported for this variant. This variant has not been reported in individuals affected with APC-related disorders in the literature. This variant has not been identified in the general population by the Genome Aggregation Database (gnomAD). The available evidence is insufficient to determine the role of this variant in disease conclusively. Therefore, this variant is classified as a Variant of Uncertain Significance.